The following is an entry in ClinVar:

NM_007194.4(CHEK2):c.507T>C (p.Phe169=)

Gene: CHEK2 (checkpoint kinase 2; minus strand). Cytogenetic location: 22q12.1.
Variant type: single nucleotide variant.
Coding change: c.507T>C on transcript NM_007194.4 (MANE Select); coding-DNA position 507, T replaced by C.
Protein change: p.Phe169=; no amino-acid change (phenylalanine 169 retained).
Molecular consequence: synonymous variant. On other transcripts: 5 prime UTR variant (2), intron variant (1).
Genome position (GRCh38, 1-based): chr22:28,725,062, A>G on the plus strand (T>C on the coding strand, the complement: CHEK2 is on the minus strand). VCF-style: chr22-28725062-A-G. GRCh37 (hg19) VCF-style: chr22-29121050-A-G.
Other names: c.507T>C (NM_007194.3); c.636T>C, p.Phe212= (NM_001005735.3, NM_001438294.1); c.-271T>C (NM_001257387.3); c.-157T>C (NM_001437942.1); c.600T>C, p.Phe200= (NM_001438293.1, NM_001438295.1); c.507T>C, p.Phe169= (NM_145862.3); c.445-139T>C (NM_001349956.3).
Identifiers: ClinVar variation 3772715 (VCV003772715.2).

ClinVar aggregate classification (germline): Benign/Likely benign. Review status: criteria provided, multiple submitters, no conflicts (2 of 4 stars). 2 submissions from 2 submitters: Benign (1); Likely benign (1). Last evaluated 2025-11-23.

Conditions:
Hereditary cancer-predisposing syndrome. Also called: Neoplastic Syndromes, Hereditary; Tumor predisposition; Hereditary Cancer Syndrome; Hereditary neoplastic syndrome. Identifiers: Orphanet 140162, MedGen C0027672, MeSH D009386, MONDO:0015356.
Familial cancer of breast. Also called: Hereditary breast cancer; BREAST CANCER, FAMILIAL; hereditary breast carcinoma. Identifiers: Orphanet 227535, MedGen C0346153, MONDO:0016419, OMIM 114480. Disease mechanism: loss of function.

Submissions (2):

Ambry Genetics
Classification: Likely benign for Hereditary cancer-predisposing syndrome. Last evaluated: 2025-11-23. Review status: criteria provided, single submitter. Criteria: Ambry Variant Classification Scheme 2023. Collection method: clinical testing. Allele origin: germline.

Myriad Genetics, Inc.
Classification: Benign for Familial cancer of breast. Last evaluated: 2024-10-02. Review status: criteria provided, single submitter. Criteria: Myriad Autosomal Dominant, Autosomal Recessive and X-Linked Classification Criteria (2023). Collection method: clinical testing. Allele origin: unknown.
Comment: This variant is considered benign. This variant is a silent/synonymous amino acid change and it is not expected to impact splicing.